The following is an entry in ClinVar:

NM_005654.6(NR2F1):c.1112T>C (p.Leu371Pro)

Gene: NR2F1 (nuclear receptor subfamily 2 group F member 1; plus strand). Cytogenetic location: 5q15.
Variant type: single nucleotide variant.
Coding change: c.1112T>C on transcript NM_005654.6 (MANE Select); coding-DNA position 1112, T replaced by C.
Protein change: p.Leu371Pro; replaces leucine 371 with proline.
Molecular consequence: missense variant.
Genome position (GRCh38, 1-based): chr5:93,593,682, T>C. VCF-style: chr5-93593682-T-C. GRCh37 (hg19) VCF-style: chr5-92929388-T-C.
Other names: c.662T>C, p.Leu221Pro (NM_001410754.1); c.1112T>C (NM_005654.4); short protein forms L221P, L371P.
Identifiers: ClinVar variation 4081939 (VCV004081939.2).

ClinVar aggregate classification (germline): Uncertain significance. Review status: criteria provided, single submitter (1 of 4 stars). 2 submissions from 2 submitters: Uncertain significance (1). 1 of the submissions does not count toward it. Last evaluated 2026-03-31.

Conditions:
Bosch-Boonstra-Schaaf optic atrophy syndrome (BBSOAS). Also called: NR2F1-Related Neurodevelopmental Disorder. Identifiers: Orphanet 401777, MedGen C3810363, MONDO:0014320, OMIM 615722.

Submissions (2):

GeneDx
Classification: Uncertain significance. Last evaluated: 2026-03-31. Review status: criteria provided, single submitter. Criteria: GeneDx Variant Classification Process June 2021. Collection method: clinical testing. Allele origin: germline.
Comment: Not observed at significant frequency in large population cohorts (gnomAD); In silico analysis supports that this missense variant has a deleterious effect on protein structure/function; Has not been previously published as pathogenic or benign to our knowledge; This variant is associated with the following publications: (PMID: 26986877)

Clinical Genetics Laboratory, University Hospital Schleswig-Holstein
Classification: Likely pathogenic for Bosch-Boonstra-Schaaf optic atrophy syndrome. Last evaluated: 2024-05-13. Review status: no assertion criteria provided. Collection method: clinical testing. Allele origin: de novo. Affected: yes. Not counted in ClinVar's aggregate classification.